The following is an entry in ClinVar:

NC_000022.10:g.(?_32188404)_(32191244_?)del

Gene: DEPDC5 (DEP domain containing 5, GATOR1 subcomplex subunit; plus strand). Cytogenetic location: 22q12.2.
Variant type: Deletion.
Identifiers: ClinVar variation 1358181 (VCV001358181.2).

ClinVar aggregate classification (germline): Pathogenic (1 of 4 stars; one submission).

Conditions:
Familial focal epilepsy with variable foci (FPEVF). Identifiers: Orphanet 98820, MedGen C1858477, MONDO:0020310.

Submission:

Labcorp Genetics (formerly Invitae), Labcorp
Classification: Pathogenic for Familial focal epilepsy with variable foci. Last evaluated: 2021-07-09. Review status: criteria provided, single submitter. Criteria: Invitae Variant Classification Sherloc (09022015). Collection method: clinical testing. Allele origin: germline.
Comment: For these reasons, this variant has been classified as Pathogenic. This variant has not been reported in the literature in individuals affected with DEPDC5-related conditions. This variant is a gross deletion of the genomic region encompassing exon(s) 12 of the DEPDC5 gene. This deletion is out-of-frame, and is expected to create a premature translational stop signal and result in an absent or disrupted protein product. Loss-of-function variants in DEPDC5 are known to be pathogenic (PMID: 23542697, 23542701).

Literature cited by the submitters: PubMed 23542697; PubMed 23542701.